The following is an entry in ClinVar:

ClinVar aggregate classification (germline): Benign/Likely benign. Review status: criteria provided, multiple submitters, no conflicts (2 of 4 stars). 13 submissions from 10 submitters: Benign (8); Likely benign (5). Last evaluated 2025-12-01.

Conditions:
Hypokalemic periodic paralysis, type 1. Also called: HypoPP; Hypokalemic Periodic Paralysis Type 1 (AD). Identifiers: Orphanet 681, MedGen C3714580, MONDO:0042979, OMIM 170400.
Malignant hyperthermia, susceptibility to, 5 (MHS5). Also called: CACNA1S-Related Malignant Hyperthermia Susceptibility. Identifiers: Orphanet 423, MedGen C1866077, MONDO:0011163, OMIM 601887.
Congenital myopathy 18. Also called: Myopathy, congenital, due to dihydropyridine receptor defect; DIHYDROPYRIDINE RECEPTOR CONGENITAL MYOPATHY; DHPR CONGENITAL MYOPATHY. Identifiers: MedGen C5830283, MONDO:0859514, OMIM 620246.
Thyrotoxic periodic paralysis, susceptibility to, 1 (TTPP1). Identifiers: Orphanet 79102, MedGen C2749982, MONDO:0008570, OMIM 188580.

Allele frequency attached by ClinVar (database versions not stated): TOPMed 0.00017; ESP Exome Variant Server 0.00023.
gnomAD v4.1: 346 of 1,613,856 alleles (0.021%); highest among the groups gnomAD compares: Non-Finnish European, 0.017%; no homozygotes.

Submissions (13):

CeGaT Center for Human Genetics Tuebingen
Classification: Likely benign. Last evaluated: 2025-12-01. Review status: criteria provided, single submitter. Criteria: CeGaT Center For Human Genetics Tuebingen Variant Classification Criteria Version 2. Collection method: clinical testing. Allele origin: germline. Affected: yes. Observed: 10 variant alleles.
Comment: CACNA1S: BP4, BP7

Labcorp Genetics (formerly Invitae), Labcorp
Classification: Benign for Hypokalemic periodic paralysis, type 1; Malignant hyperthermia, susceptibility to, 5. Last evaluated: 2025-10-02. Review status: criteria provided, single submitter. Criteria: Invitae Variant Classification Sherloc (09022015). Collection method: clinical testing. Allele origin: germline.

Mayo Clinic Laboratories, Mayo Clinic
Classification: Likely benign. Last evaluated: 2025-06-09. Review status: criteria provided, single submitter. Criteria: ACMG Guidelines, 2015. Collection method: clinical testing. Allele origin: germline. Observed: 2 variant alleles.
Comment: BP4, BP7

Blueprint Genetics
Classification: Likely benign. Last evaluated: 2024-09-12. Review status: criteria provided, single submitter. Criteria: ACMG Guidelines, 2015. Collection method: clinical testing. Allele origin: germline.

All of Us Research Program, National Institutes of Health
Classification: Benign for Malignant hyperthermia, susceptibility to, 5. Last evaluated: 2024-02-05. Review status: criteria provided, single submitter. Criteria: ACMG Guidelines, 2015. Collection method: clinical testing. Allele origin: germline. Inheritance: Autosomal dominant inheritance. Observed: 71 variant alleles, 71 heterozygotes.
Comment: This study involves interpretation of variants in research participants for the purpose of population health screening. Participant phenotype was not available at the time of variant classification. Additional details can be found in publication PMID: 35346344, PMCID: PMC8962531

Genome-Nilou Lab
Classification: Benign for Malignant hyperthermia, susceptibility to, 5. Last evaluated: 2023-04-11. Review status: criteria provided, single submitter. Criteria: ACMG Guidelines, 2015. Collection method: clinical testing. Allele origin: germline. Affected: no.

Genome-Nilou Lab
Classification: Benign for Thyrotoxic periodic paralysis, susceptibility to, 1. Last evaluated: 2023-04-11. Review status: criteria provided, single submitter. Criteria: ACMG Guidelines, 2015. Collection method: clinical testing. Allele origin: germline. Affected: no.

Genome-Nilou Lab
Classification: Benign for Congenital myopathy 18. Last evaluated: 2023-04-11. Review status: criteria provided, single submitter. Criteria: ACMG Guidelines, 2015. Collection method: clinical testing. Allele origin: germline. Affected: no.

Genome-Nilou Lab
Classification: Benign for Hypokalemic periodic paralysis, type 1. Last evaluated: 2023-04-11. Review status: criteria provided, single submitter. Criteria: ACMG Guidelines, 2015. Collection method: clinical testing. Allele origin: germline. Affected: no.

Color Diagnostics, LLC DBA Color Health
Classification: Benign for Malignant hyperthermia, susceptibility to, 5. Last evaluated: 2022-10-03. Review status: criteria provided, single submitter. Criteria: ACMG Guidelines, 2015. Collection method: clinical testing. Allele origin: germline.

Institute of Human Genetics, University of Leipzig Medical Center
Classification: Likely benign for Hypokalemic periodic paralysis, type 1. Last evaluated: 2019-01-01. Review status: criteria provided, single submitter. Criteria: ACMG Guidelines, 2015. Collection method: clinical testing. Allele origin: unknown. Affected: yes.

GeneDx
Classification: Likely benign. Last evaluated: 2018-02-23. Review status: criteria provided, single submitter. Criteria: GeneDx Variant Classification (06012015). Collection method: clinical testing. Allele origin: germline. Affected: yes.
Comment: This variant is considered likely benign or benign based on one or more of the following criteria: it is a conservative change, it occurs at a poorly conserved position in the protein, it is predicted to be benign by multiple in silico algorithms, and/or has population frequency not consistent with disease.

Illumina Laboratory Services, Illumina
Classification: Benign for Hypokalemic periodic paralysis, type 1. Last evaluated: 2018-01-12. Review status: criteria provided, single submitter. Criteria: ICSL Variant Classification Criteria 13 December 2019. Collection method: clinical testing. Allele origin: germline.
Comment: This variant was observed in the ICSL laboratory as part of a predisposition screen in an ostensibly healthy population. It had not been previously curated by ICSL or reported in the Human Gene Mutation Database (HGMD: prior to June 1st, 2018), and was therefore a candidate for classification through an automated scoring system. Utilizing variant allele frequency, disease prevalence and penetrance estimates, and inheritance mode, an automated score was calculated to assess if this variant is too frequent to cause the disease. Based on the score and internal cut-off values, a variant classified as benign is not then subjected to further curation. The score for this variant resulted in a classification of benign for this disease.

NM_000069.3(CACNA1S):c.1629G>T (p.Thr543=)

Gene: CACNA1S (calcium voltage-gated channel subunit alpha1 S; minus strand). Cytogenetic location: 1q32.1.
Variant type: single nucleotide variant.
Coding change: c.1629G>T on transcript NM_000069.3 (MANE Select); coding-DNA position 1629, G replaced by T.
Protein change: p.Thr543=; no amino-acid change (threonine 543 retained).
Molecular consequence: synonymous variant.
Genome position (GRCh38, 1-based): chr1:201,077,118, C>A on the plus strand (G>T on the coding strand, the complement: CACNA1S is on the minus strand). VCF-style: chr1-201077118-C-A. GRCh37 (hg19) VCF-style: chr1-201046246-C-A.
Other names: p.Thr543=.
Identifiers: ClinVar variation 294762 (VCV000294762.59), dbSNP rs143999390, ClinGen allele CA078489.
Genomic context (GRCh38, chr1:201,077,118, plus strand): 5'-CAGCAGGGAGGCGATGGAGCGGATGGAGTTGAGCAGGGATGCCACCAGGTTGCTCAGCGA[C>A]GTCCAATATCTGAAGGAAGAGGAGGCACAAGGTGGGAGGAGACAGACCCTCTCACTGGGG-3'
Protein context (NP_000060.2, residues 533-553): LRIFKITKYW[Thr543=]SLSNLVASLL